The following is an entry in ClinVar:

NM_003052.5(SLC34A1):c.644+1G>A

Gene: SLC34A1 (solute carrier family 34 member 1; plus strand). Cytogenetic location: 5q35.3.
Variant type: single nucleotide variant.
Coding change: c.644+1G>A on transcript NM_003052.5 (MANE Select); the canonical splice donor site of the intron after coding-DNA position 644, G replaced by A.
Molecular consequence: splice donor variant.
Genome position (GRCh38, 1-based): chr5:177,387,874, G>A. VCF-style: chr5-177387874-G-A. GRCh37 (hg19) VCF-style: chr5-176814875-G-A.
Other names: IVS6, G-A, +1; c.644+1G>A (NM_001167579.2).
Identifiers: ClinVar variation 234926 (VCV000234926.18), dbSNP rs201304511, ClinGen allele CA3580462.

ClinVar aggregate classification (germline): Pathogenic. Review status: criteria provided, multiple submitters, no conflicts (2 of 4 stars). 8 submissions from 8 submitters: Pathogenic (6). 2 of the submissions do not count toward it. Last evaluated 2025-12-17.

Conditions:
SLC34A1-related disorder. Also called: SLC34A1-related disorders; SLC34A1-related condition.
Fanconi renotubular syndrome 2 (FRTS2). Identifiers: MedGen C3150652, MONDO:0013247, OMIM 613388.
Hypercalcemia, infantile, 2 (HCINF2). Identifiers: Orphanet 300547, MedGen C4310473, MONDO:0014851, OMIM 616963.
Hypophosphatemic nephrolithiasis/osteoporosis 1. Identifiers: Orphanet 244305, MedGen C2676786, MONDO:0012850, OMIM 612286.
Kidney stone. Also called: Nephrolithiasis. Identifiers: MedGen C0392525, MONDO:0008171, HP:0000787.
Nephrocalcinosis. Also called: Hypercalcemic nephropathy. Identifiers: MedGen C0027709, MONDO:0001567, HP:0000121.

Allele frequency attached by ClinVar (database versions not stated): gnomAD 0.00004; TOPMed 0.00006; ExAC 0.00007; gnomAD exomes 0.00008; ESP Exome Variant Server 0.00015.
gnomAD v4.1: 124 of 1,610,972 alleles (0.0077%); highest among the groups gnomAD compares: Middle Eastern, 0.033%; no homozygotes.

Submissions (8):

Labcorp Genetics (formerly Invitae), Labcorp
Classification: Pathogenic. Last evaluated: 2025-12-17. Review status: criteria provided, single submitter. Criteria: Invitae Variant Classification Sherloc (09022015). Collection method: clinical testing. Allele origin: germline.
Comment: This sequence change affects a donor splice site in intron 6 of the SLC34A1 gene. It is expected to disrupt RNA splicing. Variants that disrupt the donor or acceptor splice site typically lead to a loss of protein function (PMID: 16199547), and loss-of-function variants in SLC34A1 are known to be pathogenic (PMID: 26047794). This variant is present in population databases (rs201304511, gnomAD 0.01%). Disruption of this splice site has been observed in individual(s) with clinical features of infantile hypercalcemia (PMID: 26047794, 28893421, 29959532). It has also been observed to segregate with disease in related individuals. ClinVar contains an entry for this variant (Variation ID: 234926). Algorithms developed to predict the effect of sequence changes on RNA splicing suggest that this variant may disrupt the consensus splice site. For these reasons, this variant has been classified as Pathogenic.

PreventionGenetics, part of Exact Sciences
Classification: Pathogenic for SLC34A1-related condition. Last evaluated: 2025-11-05. Review status: criteria provided, single submitter. Criteria: ACMG Guidelines, 2015. Collection method: clinical testing. Allele origin: germline.
Comment: The SLC34A1 c.644+1G>A variant is predicted to disrupt the GT donor site and interfere with normal splicing. This variant was reported in the homozygous and compound heterozygous states in individuals with infantile hypercalcemia (Schlingmann et al. 2016. PubMed ID: 26047794; Daga et al. 2017. PubMed ID: 28893421; Hureaux et al. 2018. PubMed ID: 29959532). This variant is reported in 0.014% of alleles in individuals of European (non-Finnish) descent in gnomAD. Variants that disrupt consensus splice donor sites in SLC34A1 are expected to be pathogenic. This variant is interpreted as pathogenic.

GeneDx
Classification: Pathogenic. Last evaluated: 2024-09-03. Review status: criteria provided, single submitter. Criteria: GeneDx Variant Classification Process June 2021. Collection method: clinical testing. Allele origin: germline. Affected: yes.
Comment: Published functional studies demonstrate a damaging effect resulting from intracellular retention of the protein and lack of colocalization with actin (PMID: 26047794); Canonical splice site variant predicted to result in a null allele in a gene for which loss of function is a known mechanism of disease; This variant is associated with the following publications: (PMID: 28893421, 29959532, 32866123, 31980526, 34426522, 31589614, 34125233, 26047794, 39110378, 36596813)

Fulgent Genetics
Classification: Pathogenic for Hypophosphatemic nephrolithiasis/osteoporosis 1; Fanconi renotubular syndrome 2; Hypercalcemia, infantile, 2. Last evaluated: 2024-03-12. Review status: criteria provided, single submitter. Criteria: ACMG Guidelines, 2015. Collection method: clinical testing. Allele origin: germline.

Laboratoire de Génétique Moléculaire, CHU Bordeaux
Classification: Pathogenic for Hypercalcemia, infantile, 2. Last evaluated: 2024-01-02. Review status: criteria provided, single submitter. Criteria: ACMG Guidelines, 2015. Collection method: clinical testing. Allele origin: germline. Affected: yes.

Blueprint Genetics
Classification: Pathogenic for SLC34A1-related disorders. Last evaluated: 2021-09-20. Review status: criteria provided, single submitter. Criteria: ACMG Guidelines, 2015. Collection method: clinical testing. Allele origin: germline. Affected: yes. Observed: 5 variant alleles.

Yale Center for Mendelian Genomics, Yale University
Classification: Likely pathogenic for Nephrolithiasis; Nephrocalcinosis. Last evaluated: 2017-09-08. Review status: no assertion criteria provided. Collection method: literature only. Allele origin: germline. Affected: yes. Observed: 1 compound heterozygote. Not counted in ClinVar's aggregate classification.

OMIM
Classification: Pathogenic for HYPERCALCEMIA, INFANTILE, 2. Last evaluated: 2016-10-06. Review status: no assertion criteria provided. Collection method: literature only. Allele origin: germline. Not counted in ClinVar's aggregate classification.

Literature cited by the submitters: PubMed 16199547 (cited by Labcorp Genetics (formerly Invitae), Labcorp); PubMed 26047794 (cited by Labcorp Genetics (formerly Invitae), Labcorp and OMIM); PubMed 28893421 (cited by Labcorp Genetics (formerly Invitae), Labcorp and Yale Center for Mendelian Genomics, Yale University); PubMed 29959532 (cited by Labcorp Genetics (formerly Invitae), Labcorp).